The following is an entry in ClinVar:

NM_006648.4(WNK2):c.6137C>A (p.Thr2046Lys)

Gene: WNK2 (WNK lysine deficient protein kinase 2; plus strand). Cytogenetic location: 9q22.31.
Variant type: single nucleotide variant.
Coding change: c.6137C>A on transcript NM_006648.4 (MANE Select); coding-DNA position 6137, C replaced by A.
Protein change: p.Thr2046Lys; replaces threonine 2046 with lysine.
Molecular consequence: missense variant.
Genome position (GRCh38, 1-based): chr9:93,300,072, C>A. VCF-style: chr9-93300072-C-A. GRCh37 (hg19) VCF-style: chr9-96062354-C-A.
Other names: c.6248C>A, p.Thr2083Lys (NM_001282394.3); short protein forms T2046K, T2083K.
Identifiers: ClinVar variation 4201896 (VCV004201896.1).
Genomic context (GRCh38, chr9:93,300,072, plus strand): 5'-AGTGTCTCTTTGTTTTCTTCCCTTTATATTCATTTGCAGGCTGGACGGTTTACCACCCAA[C>A]GTCTGAGAGAGTGACCTATAAGTCTAGTAGCAAACCTCGTGCTCGATTCCTCAGTGGACC-3'
Protein context (NP_006639.3, residues 2036-2056): RGQGWTVYHP[Thr2046Lys]SERVTYKSSS

ClinVar aggregate classification (germline): Uncertain significance (1 of 4 stars; one submission).

Submission:

Ambry Genetics
Classification: Uncertain significance. Last evaluated: 2025-09-11. Review status: criteria provided, single submitter. Criteria: Ambry Variant Classification Scheme 2023. Collection method: clinical testing. Allele origin: germline.
Comment: The p.T2046K variant (also known as c.6137C>A), located in coding exon 25 of the WNK2 gene, results from a C to A substitution at nucleotide position 6137. The threonine at codon 2046 is replaced by lysine, an amino acid with similar properties. This amino acid position is conserved. In addition, the in silico prediction for this alteration is inconclusive. Based on the available evidence, the clinical significance of this variant remains unclear.